The following is an entry in ClinVar:

NM_001363807.1(RAB41):c.384C>T (p.His128=)

Gene: RAB41 (RAB41, member RAS oncogene family; plus strand). Cytogenetic location: Xq13.1.
Variant type: single nucleotide variant.
Coding change: c.384C>T on transcript NM_001363807.1 (MANE Select); coding-DNA position 384, C replaced by T.
Protein change: p.His128=; no amino-acid change (histidine 128 retained).
Molecular consequence: synonymous variant.
Genome position (GRCh38, 1-based): chrX:70,283,553, C>T. VCF-style: chrX-70283553-C-T. GRCh37 (hg19) VCF-style: chrX-69503403-C-T.
Other names: c.381C>T, p.His127= (NM_001032726.3).
Identifiers: ClinVar variation 2660812 (VCV002660812.24), dbSNP rs141218284, ClinGen allele CA10440731.

ClinVar aggregate classification (germline): Likely benign (1 of 4 stars; one submission).

Allele frequency attached by ClinVar (database versions not stated): gnomAD exomes below 0.00001; TOPMed below 0.00001; ExAC 0.00003; ESP Exome Variant Server 0.00009.
gnomAD v4.1: 6 of 1,209,078 alleles (0.0005%); highest among the groups gnomAD compares: East Asian, 0.003%; no homozygotes.

Submission:

CeGaT Center for Human Genetics Tuebingen
Classification: Likely benign. Last evaluated: 2023-05-01. Review status: criteria provided, single submitter. Criteria: CeGaT Center For Human Genetics Tuebingen Variant Classification Criteria Version 2. Collection method: clinical testing. Allele origin: germline. Affected: yes. Observed: 2 variant alleles.
Comment: RAB41: BP4, BP7